The following is an entry in ClinVar:

ClinVar aggregate classification (germline): Uncertain significance. Review status: criteria provided, multiple submitters, no conflicts (2 of 4 stars). 5 submissions from 5 submitters: Uncertain significance (5). Last evaluated 2026-08-26.

Conditions:
Inborn genetic diseases. Identifiers: MedGen C0950123, MeSH D030342.
Nephronophthisis 9 (NPHP9). Identifiers: Orphanet 655, MedGen C3151188, MONDO:0013444, OMIM 613824.
NEK8-related disorder. Also called: NEK8-related condition.
Renal-hepatic-pancreatic dysplasia 2 (RHPD2). Identifiers: MedGen C3809434, MONDO:0014174, OMIM 615415.

Allele frequency attached by ClinVar (database versions not stated): gnomAD exomes 0.00004; TOPMed 0.00004; gnomAD 0.00005 and 0.00006; ExAC 0.00007.
gnomAD v4.1: 53 of 1,613,904 alleles (0.0033%); highest among the groups gnomAD compares: East Asian, 0.0089%; no homozygotes.

Submissions (5):

PreventionGenetics, part of Exact Sciences
Classification: Uncertain significance for NEK8-related condition. Last evaluated: 2026-08-26. Review status: criteria provided, single submitter. Criteria: ACMG Guidelines, 2015. Collection method: clinical testing. Allele origin: germline.
Comment: The NEK8 c.2048G>A variant is predicted to result in the amino acid substitution p.Arg683Gln. To our knowledge, this variant has not been reported in the literature. This variant is reported in 0.0080% of alleles in individuals of European (Finnish) descent in gnomAD. At this time, the clinical significance of this variant is uncertain due to the absence of conclusive functional and genetic evidence.

Ambry Genetics
Classification: Uncertain significance for Inborn genetic diseases. Last evaluated: 2024-10-30. Review status: criteria provided, single submitter. Criteria: Ambry Variant Classification Scheme 2023. Collection method: clinical testing. Allele origin: germline.

Labcorp Genetics (formerly Invitae), Labcorp
Classification: Uncertain significance for Nephronophthisis 9. Last evaluated: 2022-07-23. Review status: criteria provided, single submitter. Criteria: Invitae Variant Classification Sherloc (09022015). Collection method: clinical testing. Allele origin: germline.
Comment: In summary, the available evidence is currently insufficient to determine the role of this variant in disease. Therefore, it has been classified as a Variant of Uncertain Significance. Algorithms developed to predict the effect of missense changes on protein structure and function are either unavailable or do not agree on the potential impact of this missense change (SIFT: "Deleterious"; PolyPhen-2: "Benign"; Align-GVGD: "Class C0"). ClinVar contains an entry for this variant (Variation ID: 322487). This variant has not been reported in the literature in individuals affected with NEK8-related conditions. This variant is present in population databases (rs199635350, gnomAD 0.008%). This sequence change replaces arginine, which is basic and polar, with glutamine, which is neutral and polar, at codon 683 of the NEK8 protein (p.Arg683Gln).

Fulgent Genetics
Classification: Uncertain significance for Nephronophthisis 9; Renal-hepatic-pancreatic dysplasia 2. Last evaluated: 2022-04-19. Review status: criteria provided, single submitter. Criteria: ACMG Guidelines, 2015. Collection method: clinical testing. Allele origin: unknown.

Illumina Laboratory Services, Illumina
Classification: Uncertain significance for Nephronophthisis 9. Last evaluated: 2018-01-13. Review status: criteria provided, single submitter. Criteria: ICSL Variant Classification Criteria 13 December 2019. Collection method: clinical testing. Allele origin: germline.

NM_178170.3(NEK8):c.2048G>A (p.Arg683Gln)

Gene: NEK8 (NIMA related kinase 8; plus strand). Cytogenetic location: 17q11.2.
Variant type: single nucleotide variant.
Coding change: c.2048G>A on transcript NM_178170.3 (MANE Select); coding-DNA position 2048, G replaced by A.
Protein change: p.Arg683Gln; replaces arginine 683 with glutamine.
Molecular consequence: missense variant.
Genome position (GRCh38, 1-based): chr17:28,741,569, G>A. VCF-style: chr17-28741569-G-A. GRCh37 (hg19) VCF-style: chr17-27068587-G-A.
Other names: short protein forms R683Q.
Identifiers: ClinVar variation 322487 (VCV000322487.13), dbSNP rs199635350, ClinGen allele CA8467624.